The following is an entry in ClinVar:

ClinVar aggregate classification (germline): Uncertain significance (1 of 4 stars; one submission).

Conditions:
Juvenile polyposis syndrome (JPS). Identifiers: Orphanet 2929, MedGen C0345893, MONDO:0017380, OMIM 174900.

Submission:

Labcorp Genetics (formerly Invitae), Labcorp
Classification: Uncertain significance for Juvenile polyposis syndrome. Last evaluated: 2025-12-08. Review status: criteria provided, single submitter. Criteria: Invitae Variant Classification Sherloc (09022015). Collection method: clinical testing. Allele origin: germline.
Comment: This sequence change replaces tyrosine, which is neutral and polar, with asparagine, which is neutral and polar, at codon 322 of the SMAD4 protein (p.Tyr322Asn). This variant is not present in population databases (gnomAD no frequency). This variant has not been reported in the literature in individuals affected with SMAD4-related conditions. Invitae Evidence Modeling of protein sequence and biophysical properties (such as structural, functional, and spatial information, amino acid conservation, physicochemical variation, residue mobility, and thermodynamic stability) has been performed for this missense variant. However, the output from this modeling did not meet the statistical confidence thresholds required to predict the impact of this variant on SMAD4 protein function. In summary, the available evidence is currently insufficient to determine the role of this variant in disease. Therefore, it has been classified as a Variant of Uncertain Significance.

NM_005359.6(SMAD4):c.964T>A (p.Tyr322Asn)

Gene: SMAD4 (SMAD family member 4; plus strand). Cytogenetic location: 18q21.2.
Variant type: single nucleotide variant.
Coding change: c.964T>A on transcript NM_005359.6 (MANE Select); coding-DNA position 964, T replaced by A.
Protein change: p.Tyr322Asn; replaces tyrosine 322 with asparagine.
Molecular consequence: missense variant. On other transcripts: non-coding transcript variant (2).
Genome position (GRCh38, 1-based): chr18:51,065,431, T>A. VCF-style: chr18-51065431-T-A. GRCh37 (hg19) VCF-style: chr18-48591801-T-A.
Other names: c.964T>A, p.Tyr322Asn (NM_001407041.1, NM_001407042.1, NM_001407043.1); short protein forms Y322N.
Identifiers: ClinVar variation 4803024 (VCV004803024.1).
Genomic context (GRCh38, chr18:51,065,431, plus strand): 5'-AGCCTTATATCTTTCTCATGGGAGGATGTTCTTTCCCATTTATTTCCTATAGCTCCTGAG[T>A]ATTGGTGTTCCATTGCTTACTTTGAAATGGATGTTCAGGTAGGAGAGACATTTAAGGTTC-3'
Protein context (NP_005350.1, residues 312-332): PPISNHPAPE[Tyr322Asn]WCSIAYFEMD